The following is an entry in ClinVar:

NM_001370259.2(MEN1):c.221G>A (p.Gly74Asp)

Gene: MEN1 (menin 1; minus strand). Cytogenetic location: 11q13.1.
Variant type: single nucleotide variant.
Coding change: c.221G>A on transcript NM_001370259.2 (MANE Select); coding-DNA position 221, G replaced by A.
Protein change: p.Gly74Asp; replaces glycine 74 with aspartic acid.
Molecular consequence: missense variant. On other transcripts: non-coding transcript variant (4).
Genome position (GRCh38, 1-based): chr11:64,809,889, C>T on the plus strand (G>A on the coding strand, the complement: MEN1 is on the minus strand). VCF-style: chr11-64809889-C-T. GRCh37 (hg19) VCF-style: chr11-64577361-C-T.
Other names: c.221G>A, p.Gly74Asp (NM_000244.4, NM_001370251.2, NM_001370260.2 and 20 more transcripts); short protein forms G74D.
Identifiers: ClinVar variation 4800433 (VCV004800433.1).

ClinVar aggregate classification (germline): Uncertain significance (1 of 4 stars; one submission).

Conditions:
Multiple endocrine neoplasia, type 1 (MEN1). Also called: MEA I; MEN I; WERMER SYNDROME; Endocrine adenomatosis multiple; MEN 1. Identifiers: Orphanet 652, MedGen C0025267, MeSH D018761, MONDO:0007540, OMIM 131100.

Submission:

Labcorp Genetics (formerly Invitae), Labcorp
Classification: Uncertain significance for Multiple endocrine neoplasia, type 1. Last evaluated: 2025-02-07. Review status: criteria provided, single submitter. Criteria: Invitae Variant Classification Sherloc (09022015). Collection method: clinical testing. Allele origin: germline.
Comment: This sequence change replaces glycine, which is neutral and non-polar, with aspartic acid, which is acidic and polar, at codon 74 of the MEN1 protein (p.Gly74Asp). The frequency data for this variant in the population databases is considered unreliable, as metrics indicate poor data quality at this position in the gnomAD database. This variant has not been reported in the literature in individuals affected with MEN1-related conditions. Invitae Evidence Modeling of protein sequence and biophysical properties (such as structural, functional, and spatial information, amino acid conservation, physicochemical variation, residue mobility, and thermodynamic stability) indicates that this missense variant is not expected to disrupt MEN1 protein function with a negative predictive value of 80%. In summary, the available evidence is currently insufficient to determine the role of this variant in disease. Therefore, it has been classified as a Variant of Uncertain Significance.